The following is an entry in ClinVar:

ClinVar aggregate classification (germline): Uncertain significance. Review status: criteria provided, multiple submitters, no conflicts (2 of 4 stars). 2 submissions from 2 submitters: Uncertain significance (2). Last evaluated 2023-10-24.

Conditions:
Seckel syndrome 8 (SCKL8). Identifiers: Orphanet 808, MedGen C3891452, MONDO:0014350, OMIM 615807.

Submissions (2):

Labcorp Genetics (formerly Invitae), Labcorp
Classification: Uncertain significance. Last evaluated: 2023-10-24. Review status: criteria provided, single submitter. Criteria: Invitae Variant Classification Sherloc (09022015). Collection method: clinical testing. Allele origin: germline.
Comment: This sequence change replaces asparagine, which is neutral and polar, with tyrosine, which is neutral and polar, at codon 306 of the DNA2 protein (p.Asn306Tyr). This variant is not present in population databases (gnomAD no frequency). This variant has not been reported in the literature in individuals affected with DNA2-related conditions. ClinVar contains an entry for this variant (Variation ID: 1333688). Advanced modeling of protein sequence and biophysical properties (such as structural, functional, and spatial information, amino acid conservation, physicochemical variation, residue mobility, and thermodynamic stability) performed at Invitae indicates that this missense variant is not expected to disrupt DNA2 protein function with a negative predictive value of 80%. In summary, the available evidence is currently insufficient to determine the role of this variant in disease. Therefore, it has been classified as a Variant of Uncertain Significance.

3billion
Classification: Uncertain significance for Seckel syndrome 8. Last evaluated: 2022-01-03. Review status: criteria provided, single submitter. Criteria: ACMG Guidelines, 2015. Collection method: clinical testing. Allele origin: germline. Affected: yes. Observed: 1 homozygote.
Comment: The variant is not observed in the gnomAD v2.1.1 dataset (PM2_M). In silico tool predictions suggest damaging effect of the variant on gene or gene product (REVEL: 0.673, PP3_P). A missense variant is a common mechanism associated with Seckel syndrome 8 (PP2_P). Therefore, this variant is classified as uncertain significance according to the recommendation of ACMG/AMP guideline.

NM_001080449.3(DNA2):c.916A>T (p.Asn306Tyr)

Gene: DNA2 (DNA replication helicase/nuclease 2; minus strand). Cytogenetic location: 10q21.3.
Variant type: single nucleotide variant.
Coding change: c.916A>T on transcript NM_001080449.3 (MANE Select); coding-DNA position 916, A replaced by T.
Protein change: p.Asn306Tyr; replaces asparagine 306 with tyrosine.
Molecular consequence: missense variant. On other transcripts: non-coding transcript variant (1).
Genome position (GRCh38, 1-based): chr10:68,450,051, T>A on the plus strand (A>T on the coding strand, the complement: DNA2 is on the minus strand). VCF-style: chr10-68450051-T-A. GRCh37 (hg19) VCF-style: chr10-70209808-T-A.
Other names: short protein forms N306Y.
Identifiers: ClinVar variation 1333688 (VCV001333688.4), dbSNP rs2133413753, ClinGen allele CA376863568.